The following is an entry in ClinVar:

ClinVar aggregate classification (germline): Pathogenic (1 of 4 stars; one submission).

Conditions:
Ehlers-Danlos syndrome, type 4 (EDSVASC). Also called: Ehlers-Danlos syndrome vascular type; Ehlers Danlos syndrome, ecchymotic type; Ehlers Danlos syndrome, arterial type; Ehlers Danlos syndrome, Sack-Barabas type; Ehlers-Danlos Syndrome Type IV. Identifiers: Orphanet 286, MedGen C0268338, MONDO:0017314, OMIM 130050.

Submission:

All of Us Research Program, National Institutes of Health
Classification: Pathogenic for Ehlers-Danlos syndrome, type 4. Last evaluated: 2024-09-16. Review status: criteria provided, single submitter. Criteria: ACMG Guidelines, 2015. Collection method: clinical testing. Allele origin: germline. Inheritance: Autosomal dominant inheritance. Observed: 1 variant allele, 1 heterozygote.
Comment: This variant changes 1 nucleotide in exon 2 of the COL3A1 gene, creating a premature translation stop signal. This variant is expected to result in an absent or non-functional protein product. To our knowledge, this variant has not been reported in individuals affected with COL3A1-related disorders in the literature. This variant has not been identified in the general population by the Genome Aggregation Database (gnomAD). Loss of COL3A1 function is a known mechanism of disease. Based on the available evidence, this variant is classified as Pathogenic.

This study involves interpretation of variants in research participants for the purpose of population health screening. Participant phenotype was not available at the time of variant classification. Additional details can be found in publication PMID: 35346344, PMCID: PMC8962531

NM_000090.4(COL3A1):c.222C>A (p.Cys74Ter)

Gene: COL3A1 (collagen type III alpha 1 chain; plus strand). Cytogenetic location: 2q32.2.
Variant type: single nucleotide variant.
Coding change: c.222C>A on transcript NM_000090.4 (MANE Select); coding-DNA position 222, C replaced by A.
Protein change: p.Cys74Ter; replaces cysteine 74 with a stop codon.
Molecular consequence: nonsense.
Genome position (GRCh38, 1-based): chr2:188,984,902, C>A. VCF-style: chr2-188984902-C-A. GRCh37 (hg19) VCF-style: chr2-189849628-C-A.
Other names: short protein forms C74*.
Identifiers: ClinVar variation 3386426 (VCV003386426.1).
Genomic context (GRCh38, chr2:188,984,902, plus strand): 5'-CTGTGACTCAGGATCCGTTCTCTGCGATGACATAATATGTGACGATCAAGAATTAGACTG[C>A]CCCAACCCAGAAATTCCATTTGGAGAATGTTGTGCAGTTTGCCCACAGCCTCCAACTGCT-3'